The following is an entry in ClinVar:

NM_017617.5(NOTCH1):c.17C>A (p.Ala6Glu)

Genes: NOTCH1 (notch receptor 1; minus strand), LOC130003020 (ATAC-STARR-seq lymphoblastoid silent region 20528; plus strand). Cytogenetic location: 9q34.3.
Variant type: single nucleotide variant.
Coding change: c.17C>A on transcript NM_017617.5 (MANE Select); coding-DNA position 17, C replaced by A.
Protein change: p.Ala6Glu; replaces alanine 6 with glutamic acid.
Molecular consequence: missense variant.
Genome position (GRCh38, 1-based): chr9:136,545,770, G>T on the plus strand (C>A on the coding strand, the complement: NOTCH1 is on the minus strand). VCF-style: chr9-136545770-G-T. GRCh37 (hg19) VCF-style: chr9-139440222-G-T.
Other names: short protein forms A6E.
Identifiers: ClinVar variation 2872866 (VCV002872866.3), dbSNP rs758139292, ClinGen allele CA375579890.

ClinVar aggregate classification (germline): Uncertain significance (1 of 4 stars; one submission).

Conditions:
Adams-Oliver syndrome 5 (AOS5). Identifiers: Orphanet 974, MedGen C4014970, MONDO:0014459, OMIM 616028.

Submission:

Labcorp Genetics (formerly Invitae), Labcorp
Classification: Uncertain significance for Adams-Oliver syndrome 5. Last evaluated: 2023-05-16. Review status: criteria provided, single submitter. Criteria: Invitae Variant Classification Sherloc (09022015). Collection method: clinical testing. Allele origin: germline.
Comment: In summary, the available evidence is currently insufficient to determine the role of this variant in disease. Therefore, it has been classified as a Variant of Uncertain Significance. Advanced modeling of protein sequence and biophysical properties (such as structural, functional, and spatial information, amino acid conservation, physicochemical variation, residue mobility, and thermodynamic stability) performed at Invitae indicates that this missense variant is not expected to disrupt NOTCH1 protein function. This variant has not been reported in the literature in individuals affected with NOTCH1-related conditions. This variant is not present in population databases (gnomAD no frequency). This sequence change replaces alanine, which is neutral and non-polar, with glutamic acid, which is acidic and polar, at codon 6 of the NOTCH1 protein (p.Ala6Glu).